The following is an entry in ClinVar:

ClinVar aggregate classification (germline): Uncertain significance (1 of 4 stars; one submission).

Conditions:
Alstrom syndrome (ALMS). Identifiers: Orphanet 64, MedGen C0268425, MONDO:0008763, OMIM 203800.

Allele frequency attached by ClinVar (database versions not stated): gnomAD exomes below 0.00001.
gnomAD v4.1: 1 of 1,613,792 alleles (0.000062%); highest among the groups gnomAD compares: Non-Finnish European, 0.000085%; no homozygotes.

Submission:

Labcorp Genetics (formerly Invitae), Labcorp
Classification: Uncertain significance for Alstrom syndrome. Last evaluated: 2023-12-06. Review status: criteria provided, single submitter. Criteria: Invitae Variant Classification Sherloc (09022015). Collection method: clinical testing. Allele origin: germline.
Comment: This sequence change replaces valine, which is neutral and non-polar, with isoleucine, which is neutral and non-polar, at codon 696 of the ALMS1 protein (p.Val696Ile). This variant is not present in population databases (gnomAD no frequency). This variant has not been reported in the literature in individuals affected with ALMS1-related conditions. ClinVar contains an entry for this variant (Variation ID: 1965366). Experimental studies and prediction algorithms are not available or were not evaluated, and the functional significance of this variant is currently unknown. In summary, the available evidence is currently insufficient to determine the role of this variant in disease. Therefore, it has been classified as a Variant of Uncertain Significance.

NM_001378454.1(ALMS1):c.2083G>A (p.Val695Ile)

Gene: ALMS1 (ALMS1 centrosome and basal body associated protein; plus strand). Cytogenetic location: 2p13.1.
Variant type: single nucleotide variant.
Coding change: c.2083G>A on transcript NM_001378454.1 (MANE Select); coding-DNA position 2083, G replaced by A.
Protein change: p.Val695Ile; replaces valine 695 with isoleucine.
Molecular consequence: missense variant.
Genome position (GRCh38, 1-based): chr2:73,448,610, G>A. VCF-style: chr2-73448610-G-A. GRCh37 (hg19) VCF-style: chr2-73675737-G-A.
Other names: c.2086G>A, p.Val696Ile (NM_015120.4); short protein forms V695I, V696I.
Identifiers: ClinVar variation 1965366 (VCV001965366.5), dbSNP rs2466093387, ClinGen allele CA347266604.
Genomic context (GRCh38, chr2:73,448,610, plus strand): 5'-CTCCTCTTTTTCTATCGACAGACCTTGCCAGATGGTCATCTAACTGATCAGGCTCTGAAA[G>A]TCTCAGCTGTGTCTGGACCAGCTGACCAGAAGACTGGGACAGCAACAGTACTCTCTACTC-3'
Protein context (NP_001365383.1, residues 685-705): DGHLTDQALK[Val695Ile]SAVSGPADQK